The following is an entry in ClinVar:

ClinVar aggregate classification (germline): Uncertain significance. Review status: criteria provided, multiple submitters, no conflicts (2 of 4 stars). 3 submissions from 3 submitters: Uncertain significance (3). Last evaluated 2026-04-15.

Conditions:
PCNT-related disorder. Also called: PCNT-related condition.

Allele frequency attached by ClinVar (database versions not stated): ExAC 0.00007; ESP Exome Variant Server 0.00008; gnomAD 0.00012 and 0.00014; TOPMed 0.00012.
gnomAD v4.1: 160 of 1,614,186 alleles (0.0099%); highest among the groups gnomAD compares: Admixed American, 0.022%; no homozygotes.

Submissions (3):

PreventionGenetics, part of Exact Sciences
Classification: Uncertain significance for PCNT-related condition. Last evaluated: 2026-04-15. Review status: criteria provided, single submitter. Criteria: ACMG Guidelines, 2015. Collection method: clinical testing. Allele origin: germline.
Comment: The PCNT c.9217G>A variant is predicted to result in the amino acid substitution p.Val3073Met. To our knowledge, this variant has not been reported in the literature. This variant is reported in 0.014% of alleles in individuals of Latino descent in gnomAD. At this time, the clinical significance of this variant is uncertain due to the absence of conclusive functional and genetic evidence.

Labcorp Genetics (formerly Invitae), Labcorp
Classification: Uncertain significance. Last evaluated: 2022-03-29. Review status: criteria provided, single submitter. Criteria: Invitae Variant Classification Sherloc (09022015). Collection method: clinical testing. Allele origin: germline.
Comment: This sequence change replaces valine, which is neutral and non-polar, with methionine, which is neutral and non-polar, at codon 3073 of the PCNT protein (p.Val3073Met). This variant is present in population databases (rs371058544, gnomAD 0.01%). This variant has not been reported in the literature in individuals affected with PCNT-related conditions. ClinVar contains an entry for this variant (Variation ID: 281342). Algorithms developed to predict the effect of missense changes on protein structure and function are either unavailable or do not agree on the potential impact of this missense change (SIFT: "Deleterious"; PolyPhen-2: "Possibly Damaging"; Align-GVGD: "Class C0"). In summary, the available evidence is currently insufficient to determine the role of this variant in disease. Therefore, it has been classified as a Variant of Uncertain Significance.

Eurofins Ntd Llc (ga)
Classification: Uncertain significance. Last evaluated: 2015-06-15. Review status: criteria provided, single submitter. Criteria: EGL Classification Definitions 2015. Collection method: clinical testing. Allele origin: germline. Observed: 1 variant allele, 1 heterozygote.

NM_006031.6(PCNT):c.9217G>A (p.Val3073Met)

Gene: PCNT (pericentrin; plus strand). Cytogenetic location: 21q22.3.
Variant type: single nucleotide variant.
Coding change: c.9217G>A on transcript NM_006031.6 (MANE Select); coding-DNA position 9217, G replaced by A.
Protein change: p.Val3073Met; replaces valine 3073 with methionine.
Molecular consequence: missense variant.
Genome position (GRCh38, 1-based): chr21:46,438,281, G>A. VCF-style: chr21-46438281-G-A. GRCh37 (hg19) VCF-style: chr21-47858194-G-A.
Other names: c.9217G>A (NM_006031.5); c.8626G>A, p.Val2876Met (NM_001315529.2); short protein forms V3073M, V2876M.
Identifiers: ClinVar variation 281342 (VCV000281342.9), dbSNP rs371058544, ClinGen allele CA10081235.
Genomic context (GRCh38, chr21:46,438,281, plus strand): 5'-GTTTCCCTCACAAAAGCGCTCAGCACGGTGACCCAGGAGAAGCTGGAGCTGAGCAGAGCC[G>A]TGTCTAAGCTTGAGAAGTTGCTGAAGCACCATCTGCAGAAGGGCTGCAGCCCAAGCGTAG-3'
Protein context (NP_006022.3, residues 3063-3083): TQEKLELSRA[Val3073Met]SKLEKLLKHH